The following is an entry in ClinVar:

NM_001002295.2(GATA3):c.605G>A (p.Arg202His)

Gene: GATA3 (GATA binding protein 3; plus strand). Cytogenetic location: 10p14.
Variant type: single nucleotide variant.
Coding change: c.605G>A on transcript NM_001002295.2 (MANE Select); coding-DNA position 605, G replaced by A.
Protein change: p.Arg202His; replaces arginine 202 with histidine.
Molecular consequence: missense variant.
Genome position (GRCh38, 1-based): chr10:8,058,668, G>A. VCF-style: chr10-8058668-G-A. GRCh37 (hg19) VCF-style: chr10-8100631-G-A.
Other names: c.605G>A, p.Arg202His (NM_002051.3); short protein forms R202H.
Identifiers: ClinVar variation 977078 (VCV000977078.6), dbSNP rs767671768, ClinGen allele CA5404410.
Genomic context (GRCh38, chr10:8,058,668, plus strand): 5'-AGTGCCTCAAGTACCAGGTGCCCCTGCCCGACAGCATGAAGCTGGAGTCGTCCCACTCCC[G>A]TGGCAGCATGACCGCCCTGGGTGGAGCCTCCTCGTCGACCCACCACCCCATCACCACCTA-3'
Protein context (NP_001002295.1, residues 192-212): DSMKLESSHS[Arg202His]GSMTALGGAS

ClinVar aggregate classification (germline): Uncertain significance. Review status: criteria provided, multiple submitters, no conflicts (2 of 4 stars). 4 submissions from 4 submitters: Uncertain significance (4). Last evaluated 2024-10-31.

Conditions:
Hypoparathyroidism, deafness, renal disease syndrome (HDRS). Also called: HYPOPARATHYROIDISM, SENSORINEURAL DEAFNESS, AND RENAL DYSPLASIA SYNDROME. Identifiers: Orphanet 2237, MedGen C1840333, MONDO:0007797, OMIM 146255.
Inborn genetic diseases. Identifiers: MedGen C0950123, MeSH D030342.

Allele frequency attached by ClinVar (database versions not stated): gnomAD 0.00001; TOPMed 0.00001; ExAC 0.00002; gnomAD exomes 0.00002.

Submissions (4):

Labcorp Genetics (formerly Invitae), Labcorp
Classification: Uncertain significance. Last evaluated: 2024-10-31. Review status: criteria provided, single submitter. Criteria: Invitae Variant Classification Sherloc (09022015). Collection method: clinical testing. Allele origin: germline.
Comment: This sequence change replaces arginine, which is basic and polar, with histidine, which is basic and polar, at codon 202 of the GATA3 protein (p.Arg202His). This variant is present in population databases (rs767671768, gnomAD 0.007%). This variant has not been reported in the literature in individuals affected with GATA3-related conditions. ClinVar contains an entry for this variant (Variation ID: 977078). Invitae Evidence Modeling of protein sequence and biophysical properties (such as structural, functional, and spatial information, amino acid conservation, physicochemical variation, residue mobility, and thermodynamic stability) indicates that this missense variant is not expected to disrupt GATA3 protein function with a negative predictive value of 80%. In summary, the available evidence is currently insufficient to determine the role of this variant in disease. Therefore, it has been classified as a Variant of Uncertain Significance.

Ambry Genetics
Classification: Uncertain significance for Inborn genetic diseases. Last evaluated: 2024-07-30. Review status: criteria provided, single submitter. Criteria: Ambry Variant Classification Scheme 2023. Collection method: clinical testing. Allele origin: germline.

Fulgent Genetics
Classification: Uncertain significance for Hypoparathyroidism, deafness, renal disease syndrome. Last evaluated: 2024-06-12. Review status: criteria provided, single submitter. Criteria: ACMG Guidelines, 2015. Collection method: clinical testing. Allele origin: germline.

Johns Hopkins Genomics, Johns Hopkins University
Classification: Uncertain significance for Hypoparathyroidism, deafness, renal disease syndrome. Last evaluated: 2020-07-21. Review status: criteria provided, single submitter. Criteria: ACMG Guidelines, 2015. Collection method: clinical testing. Allele origin: germline.
Comment: This GATA3 variant (rs767671768) is rare (<0.1%) in a large population dataset (gnomAD: 6/250082 total alleles; 0.002%; no homozygotes) and has not been reported in ClinVar nor the literature, to our knowledge. Of three bioinformatics tools queried, two predict that the substitution would be tolerated, while one predicts that it would be damaging. The arginine residue at this position is highly evolutionarily conserved across most species assessed. Due to insufficient evidence, we consider the clinical significance of c.605G>A to be uncertain at this time.